The following is an entry in ClinVar:

NM_000088.4(COL1A1):c.1060G>T (p.Glu354Ter)

Gene: COL1A1 (collagen type I alpha 1 chain; minus strand). Cytogenetic location: 17q21.33.
Variant type: single nucleotide variant.
Coding change: c.1060G>T on transcript NM_000088.4 (MANE Select); coding-DNA position 1060, G replaced by T.
Protein change: p.Glu354Ter; replaces glutamic acid 354 with a stop codon.
Molecular consequence: nonsense.
Genome position (GRCh38, 1-based): chr17:50,195,662, C>A on the plus strand (G>T on the coding strand, the complement: COL1A1 is on the minus strand). VCF-style: chr17-50195662-C-A. GRCh37 (hg19) VCF-style: chr17-48273023-C-A.
Other names: short protein forms E354*.
Identifiers: ClinVar variation 4809176 (VCV004809176.1).
Genomic context (GRCh38, chr17:50,195,662, plus strand): 5'-CAGGCTCACCACGCACACCCTGGGGACCTTCAGAGCCTCGGGGCCCTTGGGGACCAGCTT[C>A]ACCCTGAATCAGAAGAAAGGACATATCAGAAGCCACCCTGGGAAACCCAACCTTGCCTCT-3'

ClinVar aggregate classification (germline): Pathogenic (1 of 4 stars; one submission).

Conditions:
Osteogenesis imperfecta type I (OI1). Also called: Lobstein disease; Classic Non-deforming Osteogenesis Imperfecta with Blue Sclerae; OI, TYPE I; OSTEOGENESIS IMPERFECTA TARDA; OSTEOGENESIS IMPERFECTA WITH BLUE SCLERAE; Osteogenesis imperfecta type 1. Identifiers: Orphanet 216796, Orphanet 666, MedGen C0023931, MONDO:0008146, OMIM 166200. Disease mechanism: loss of function.

Submission:

Labcorp Genetics (formerly Invitae), Labcorp
Classification: Pathogenic for Osteogenesis imperfecta type I. Last evaluated: 2025-11-17. Review status: criteria provided, single submitter. Criteria: Invitae Variant Classification Sherloc (09022015). Collection method: clinical testing. Allele origin: germline.
Comment: This sequence change creates a premature translational stop signal (p.Glu354*) in the COL1A1 gene. It is expected to result in an absent or disrupted protein product. Loss-of-function variants in COL1A1 are known to be pathogenic (PMID: 7942841, 9295084, 9443882). This variant is not present in population databases (gnomAD no frequency). This premature translational stop signal has been observed in individual(s) with osteogenesis imperfecta (PMID: 37270749). For these reasons, this variant has been classified as Pathogenic.

Literature cited by the submitters: PubMed 7942841; PubMed 9295084; PubMed 9443882; PubMed 37270749.